The following is an entry in ClinVar:

NM_001101362.3(KBTBD13):c.521C>T (p.Ser174Leu)

Gene: KBTBD13 (kelch repeat and BTB domain containing 13; plus strand). Cytogenetic location: 15q22.31.
Variant type: single nucleotide variant.
Coding change: c.521C>T on transcript NM_001101362.3 (MANE Select); coding-DNA position 521, C replaced by T.
Protein change: p.Ser174Leu; replaces serine 174 with leucine.
Molecular consequence: missense variant.
Genome position (GRCh38, 1-based): chr15:65,077,336, C>T. VCF-style: chr15-65077336-C-T. GRCh37 (hg19) VCF-style: chr15-65369674-C-T.
Other names: short protein forms S174L.
Identifiers: ClinVar variation 657440 (VCV000657440.8), dbSNP rs772025364, ClinGen allele CA7613937.

ClinVar aggregate classification (germline): Uncertain significance. Review status: criteria provided, multiple submitters, no conflicts (2 of 4 stars). 2 submissions from 2 submitters: Uncertain significance (2). Last evaluated 2025-10-24.

Conditions:
Inborn genetic diseases. Identifiers: MedGen C0950123, MeSH D030342.
Nemaline myopathy 6 (NEM6). Also called: Nemaline myopathy 6, autosomal dominant. Identifiers: Orphanet 171439, MedGen C1836472, MONDO:0012237, OMIM 609273.

Allele frequency attached by ClinVar (database versions not stated): TOPMed 0.00006; ExAC below 0.00001.

Submissions (2):

Ambry Genetics
Classification: Uncertain significance for Inborn genetic diseases. Last evaluated: 2025-10-24. Review status: criteria provided, single submitter. Criteria: Ambry Variant Classification Scheme 2023. Collection method: clinical testing. Allele origin: germline.

Labcorp Genetics (formerly Invitae), Labcorp
Classification: Uncertain significance for Nemaline myopathy 6. Last evaluated: 2025-10-02. Review status: criteria provided, single submitter. Criteria: Invitae Variant Classification Sherloc (09022015). Collection method: clinical testing. Allele origin: germline.
Comment: This sequence change replaces serine, which is neutral and polar, with leucine, which is neutral and non-polar, at codon 174 of the KBTBD13 protein (p.Ser174Leu). This variant is present in population databases (rs772025364, gnomAD 0.007%). This variant has not been reported in the literature in individuals affected with KBTBD13-related conditions. ClinVar contains an entry for this variant (Variation ID: 657440). Invitae Evidence Modeling of protein sequence and biophysical properties (such as structural, functional, and spatial information, amino acid conservation, physicochemical variation, residue mobility, and thermodynamic stability) indicates that this missense variant is not expected to disrupt KBTBD13 protein function with a negative predictive value of 80%. In summary, the available evidence is currently insufficient to determine the role of this variant in disease. Therefore, it has been classified as a Variant of Uncertain Significance.